The following is an entry in ClinVar:

ClinVar aggregate classification (germline): Uncertain significance (1 of 4 stars; one submission).

Conditions:
Inborn genetic diseases. Identifiers: MedGen C0950123, MeSH D030342.

Submission:

Ambry Genetics
Classification: Uncertain significance for Inborn genetic diseases. Last evaluated: 2019-09-26. Review status: criteria provided, single submitter. Criteria: Ambry Variant Classification Scheme 2023. Collection method: clinical testing. Allele origin: germline.
Comment: The p.M1711T variant (also known as c.5132T>C), located in coding exon 37 of the SBF2 gene, results from a T to C substitution at nucleotide position 5132. The methionine at codon 1711 is replaced by threonine, an amino acid with similar properties. This amino acid position is poorly conserved in available vertebrate species. In addition, this alteration is predicted to be tolerated by in silico analysis. Since supporting evidence is limited at this time, the clinical significance of this alteration remains unclear.

NM_030962.4(SBF2):c.5132T>C (p.Met1711Thr)

Genes: SBF2 (SET binding factor 2; minus strand), SBF2-AS1 (SBF2 antisense RNA 1; plus strand), LOC105369149 (uncharacterized LOC105369149; plus strand). Cytogenetic location: 11p15.4.
Variant type: single nucleotide variant.
Coding change: c.5132T>C on transcript NM_030962.4 (MANE Select); coding-DNA position 5132, T replaced by C.
Protein change: p.Met1711Thr; replaces methionine 1711 with threonine.
Molecular consequence: missense variant.
Genome position (GRCh38, 1-based): chr11:9,785,224, A>G on the plus strand (T>C on the coding strand, the complement: SBF2 is on the minus strand). VCF-style: chr11-9785224-A-G. GRCh37 (hg19) VCF-style: chr11-9806771-A-G.
Other names: c.5228T>C, p.Met1743Thr (NM_001386339.1); c.5003T>C, p.Met1668Thr (NM_001386342.1); short protein forms M1668T, M1743T, M1711T.
Identifiers: ClinVar variation 1745564 (VCV001745564.2), dbSNP rs2494491292, ClinGen allele CA379631646.